The following is an entry in ClinVar:

ClinVar aggregate classification (germline): Uncertain significance (1 of 4 stars; one submission).

Submission:

Labcorp Genetics (formerly Invitae), Labcorp
Classification: Uncertain significance. Last evaluated: 2021-12-23. Review status: criteria provided, single submitter. Criteria: Invitae Variant Classification Sherloc (09022015). Collection method: clinical testing. Allele origin: germline.
Comment: Variants that disrupt the consensus splice site are a relatively common cause of aberrant splicing (PMID: 17576681, 9536098). Algorithms developed to predict the effect of sequence changes on RNA splicing suggest that this variant may disrupt the consensus splice site. This variant has not been reported in the literature in individuals affected with MSH3-related conditions. The frequency data for this variant in the population databases is considered unreliable, as metrics indicate poor data quality at this position in the gnomAD database. This sequence change falls in intron 21 of the MSH3 gene. It does not directly change the encoded amino acid sequence of the MSH3 protein. It affects a nucleotide within the consensus splice site. In summary, the available evidence is currently insufficient to determine the role of this variant in disease. Therefore, it has been classified as a Variant of Uncertain Significance.

Literature cited by the submitters: PubMed 17576681; PubMed 9536098.

NM_002439.5(MSH3):c.3000+5G>T

Gene: MSH3 (mutS homolog 3; plus strand). Cytogenetic location: 5q14.1.
Variant type: single nucleotide variant.
Coding change: c.3000+5G>T on transcript NM_002439.5 (MANE Select); 5 bases into the intron after coding-DNA position 3000, G replaced by T.
Molecular consequence: intron variant.
Genome position (GRCh38, 1-based): chr5:80,854,321, G>T. VCF-style: chr5-80854321-G-T. GRCh37 (hg19) VCF-style: chr5-80150140-G-T.
Identifiers: ClinVar variation 2056159 (VCV002056159.4), dbSNP rs1421357454, ClinGen allele CA560769504.
Genomic context (GRCh38, chr5:80,854,321, plus strand): 5'-GCACTCATGATGGAATTGCCATTGCCTATGCTACACTTGAGTATTTCATCAGAGATGTAA[G>T]TATCCGGTAAACTGTATTTAAAAAGAAATTAATTTGTAAATTATTATTTTTAAATGACAG-3'